The following is an entry in ClinVar:

NM_002204.4(ITGA3):c.286C>G (p.Leu96Val)

Genes: ITGA3 (integrin subunit alpha 3; plus strand), LOC126862584 (P300/CBP strongly-dependent group 1 enhancer GRCh37_chr17:48141472-48142671; plus strand). Cytogenetic location: 17q21.33.
Variant type: single nucleotide variant.
Coding change: c.286C>G on transcript NM_002204.4 (MANE Select); coding-DNA position 286, C replaced by G.
Protein change: p.Leu96Val; replaces leucine 96 with valine.
Molecular consequence: missense variant.
Genome position (GRCh38, 1-based): chr17:50,064,156, C>G. VCF-style: chr17-50064156-C-G. GRCh37 (hg19) VCF-style: chr17-48141520-C-G.
Other names: short protein forms L96V.
Identifiers: ClinVar variation 1944093 (VCV001944093.2), dbSNP rs1827420291, ClinGen allele CA400172582.

ClinVar aggregate classification (germline): Uncertain significance (1 of 4 stars; one submission).

Allele frequency attached by ClinVar (database versions not stated): gnomAD exomes below 0.00001; gnomAD 0.00001.
gnomAD v4.1: 3 of 1,611,630 alleles (0.00019%); highest among the groups gnomAD compares: Admixed American, 0.0033%; no homozygotes.

Submission:

Labcorp Genetics (formerly Invitae), Labcorp
Classification: Uncertain significance. Last evaluated: 2022-04-10. Review status: criteria provided, single submitter. Criteria: Invitae Variant Classification Sherloc (09022015). Collection method: clinical testing. Allele origin: germline.
Comment: This sequence change replaces leucine, which is neutral and non-polar, with valine, which is neutral and non-polar, at codon 96 of the ITGA3 protein (p.Leu96Val). This variant is not present in population databases (gnomAD no frequency). This variant has not been reported in the literature in individuals affected with ITGA3-related conditions. Algorithms developed to predict the effect of missense changes on protein structure and function are either unavailable or do not agree on the potential impact of this missense change (SIFT: "Tolerated"; PolyPhen-2: "Possibly Damaging"; Align-GVGD: "Class C0"). In summary, the available evidence is currently insufficient to determine the role of this variant in disease. Therefore, it has been classified as a Variant of Uncertain Significance.